The following is an entry in ClinVar:

ClinVar aggregate classification (germline): Uncertain significance (1 of 4 stars; one submission).

Conditions:
Neuronal ceroid lipofuscinosis 2. Also called: TPP1-Related Neuronal Ceroid-Lipofuscinosis; JANSKY-BIELSCHOWSKY DISEASE NEURONAL CEROID LIPOFUSCINOSIS, LATE INFANTILE. Identifiers: Orphanet 168491, Orphanet 228349, Orphanet 79264, MedGen C1876161, MONDO:0008769, OMIM 204500.

Submission:

3billion
Classification: Uncertain significance for Neuronal ceroid lipofuscinosis 2. Last evaluated: 2025-06-09. Review status: criteria provided, single submitter. Criteria: ACMG Guidelines, 2015. Collection method: clinical testing. Allele origin: germline. Affected: yes.
Comment: The variant is not observed in the gnomAD v4.1.0 dataset. Predicted Consequence/Location: Missense variant In silico tool predictions suggest damaging effect of the variant on gene or gene product [REVEL: 0.89 (>=0.6, sensitivity 0.68 and specificity 0.92)]. Different missense changes at the same codon have been reported as of uncertain significance (ClinVar ID: VCV000937857). Therefore, this variant is classified as VUS according to the recommendation of ACMG/AMP guideline.

NM_000391.4(TPP1):c.779T>G (p.Val260Gly)

Gene: TPP1 (tripeptidyl peptidase 1; minus strand). Cytogenetic location: 11p15.4.
Variant type: single nucleotide variant.
Coding change: c.779T>G on transcript NM_000391.4 (MANE Select); coding-DNA position 779, T replaced by G.
Protein change: p.Val260Gly; replaces valine 260 with glycine.
Molecular consequence: missense variant.
Genome position (GRCh38, 1-based): chr11:6,616,768, A>C on the plus strand (T>G on the coding strand, the complement: TPP1 is on the minus strand). VCF-style: chr11-6616768-A-C. GRCh37 (hg19) VCF-style: chr11-6637999-A-C.
Other names: short protein forms V260G.
Identifiers: ClinVar variation 4854601 (VCV004854601.1).